The following is an entry in ClinVar:

ClinVar aggregate classification (germline): Uncertain significance (1 of 4 stars; one submission).

Conditions:
Cardiomyopathy (CMYO). Also called: Cardiomyopathies. Identifiers: Orphanet 167848, MedGen C0878544, MONDO:0004994, HP:0001638. Inheritance: Various modes of inheritance.

Submission:

All of Us Research Program, National Institutes of Health
Classification: Uncertain significance for Cardiomyopathy. Last evaluated: 2023-08-08. Review status: criteria provided, single submitter. Criteria: ACMG Guidelines, 2015. Collection method: clinical testing. Allele origin: germline. Inheritance: Autosomal dominant inheritance. Observed: 1 variant allele, 1 heterozygote.
Comment: This missense variant replaces phenylalanine with leucine at codon 312 of the MYH7 protein. Computational prediction is inconclusive regarding the impact of this variant on protein structure and function (internally defined REVEL score threshold 0.5 < inconclusive < 0.7, PMID: 27666373). To our knowledge, functional studies have not been reported for this variant. This variant has not been reported in individuals affected with MYH7-related disorders in the literature. This variant has not been identified in the general population by the Genome Aggregation Database (gnomAD). The available evidence is insufficient to determine the role of this variant in disease conclusively. Therefore, this variant is classified as a Variant of Uncertain Significance.

This study involves interpretation of variants in research participants for the purpose of population health screening. Participant phenotype was not available at the time of variant classification. Additional details can be found in publication PMID: 35346344, PMCID: PMC8962531

NM_000257.4(MYH7):c.936C>G (p.Phe312Leu)

Gene: MYH7 (myosin heavy chain 7; minus strand). Cytogenetic location: 14q11.2.
Variant type: single nucleotide variant.
Coding change: c.936C>G on transcript NM_000257.4 (MANE Select); coding-DNA position 936, C replaced by G.
Protein change: p.Phe312Leu; replaces phenylalanine 312 with leucine.
Molecular consequence: missense variant.
Genome position (GRCh38, 1-based): chr14:23,430,623, G>C on the plus strand (C>G on the coding strand, the complement: MYH7 is on the minus strand). VCF-style: chr14-23430623-G-C. GRCh37 (hg19) VCF-style: chr14-23899832-G-C.
Other names: c.936C>G, p.Phe312Leu (NM_001407004.1); short protein forms F312L.
Identifiers: ClinVar variation 3072590 (VCV003072590.1), dbSNP rs771522982, ClinGen allele CA389051716.